The following is an entry in ClinVar:

NM_000085.5(CLCNKB):c.1976C>G (p.Thr659Arg)

Genes: CLCNKB (chloride voltage-gated channel Kb; plus strand), LOC106501713 (CLCNKB recombination region; plus strand). Cytogenetic location: 1p36.13.
Variant type: single nucleotide variant.
Coding change: c.1976C>G on transcript NM_000085.5 (MANE Select); coding-DNA position 1976, C replaced by G.
Protein change: p.Thr659Arg; replaces threonine 659 with arginine.
Molecular consequence: missense variant.
Genome position (GRCh38, 1-based): chr1:16,056,468, C>G. VCF-style: chr1-16056468-C-G. GRCh37 (hg19) VCF-style: chr1-16382963-C-G.
Other names: c.1466C>G, p.Thr489Arg (NM_001165945.2); short protein forms T489R, T659R.
Identifiers: ClinVar variation 4741010 (VCV004741010.1).

ClinVar aggregate classification (germline): Uncertain significance (1 of 4 stars; one submission).

Submission:

Labcorp Genetics (formerly Invitae), Labcorp
Classification: Uncertain significance. Last evaluated: 2025-06-26. Review status: criteria provided, single submitter. Criteria: Invitae Variant Classification Sherloc (09022015). Collection method: clinical testing. Allele origin: germline.
Comment: This sequence change replaces threonine, which is neutral and polar, with arginine, which is basic and polar, at codon 659 of the CLCNKB protein (p.Thr659Arg). This variant is not present in population databases (gnomAD no frequency). This missense change has been observed in individual(s) with Bartter syndrome (internal data). Invitae Evidence Modeling of protein sequence and biophysical properties (such as structural, functional, and spatial information, amino acid conservation, physicochemical variation, residue mobility, and thermodynamic stability) indicates that this missense variant is expected to disrupt CLCNKB protein function with a positive predictive value of 80%. Algorithms developed to predict the effect of sequence changes on RNA splicing suggest that this variant may disrupt the consensus splice site. This variant disrupts the p.Thr659 amino acid residue in CLCNKB. Other variant(s) that disrupt this residue have been observed in individuals with CLCNKB-related conditions (PMID: 28381550), which suggests that this may be a clinically significant amino acid residue. In summary, the available evidence is currently insufficient to determine the role of this variant in disease. Therefore, it has been classified as a Variant of Uncertain Significance.

Literature cited by the submitters: PubMed 28381550.